The following is an entry in ClinVar:

ClinVar aggregate classification (germline): Uncertain significance (1 of 4 stars; one submission).

Conditions:
Ataxia-telangiectasia syndrome (AT). Also called: Cerebello-oculocutaneous telangiectasia; Immunodeficiency with ataxia telangiectasia; ATAXIA-TELANGIECTASIA, COMPLEMENTATION GROUP A; ATAXIA-TELANGIECTASIA, FRESNO VARIANT; Ataxia-telangiectasia, complementation group E; LOUIS-BAR SYNDROME. Identifiers: Orphanet 100, MedGen C0004135, MONDO:0008840, OMIM 208900.

Allele frequency attached by ClinVar (database versions not stated): gnomAD exomes below 0.00001.
gnomAD v4.1: 1 of 1,613,978 alleles (0.000062%); highest among the groups gnomAD compares: Non-Finnish European, 0.000085%; no homozygotes.

Submission:

Labcorp Genetics (formerly Invitae), Labcorp
Classification: Uncertain significance for Ataxia-telangiectasia syndrome. Last evaluated: 2021-02-18. Review status: criteria provided, single submitter. Criteria: Invitae Variant Classification Sherloc (09022015). Collection method: clinical testing. Allele origin: germline.
Comment: This sequence change replaces lysine with asparagine at codon 940 of the ATM protein (p.Lys940Asn). The lysine residue is moderately conserved and there is a moderate physicochemical difference between lysine and asparagine. This variant is not present in population databases (ExAC no frequency). This variant has not been reported in the literature in individuals with ATM-related conditions. Advanced modeling of protein sequence and biophysical properties (such as structural, functional, and spatial information, amino acid conservation, physicochemical variation, residue mobility, and thermodynamic stability) performed at Invitae indicates that this missense variant is not expected to disrupt ATM protein function. In summary, the available evidence is currently insufficient to determine the role of this variant in disease. Therefore, it has been classified as a Variant of Uncertain Significance.

NM_000051.4(ATM):c.2820A>C (p.Lys940Asn)

Gene: ATM (ATM serine/threonine kinase; plus strand). Cytogenetic location: 11q22.3.
Variant type: single nucleotide variant.
Coding change: c.2820A>C on transcript NM_000051.4 (MANE Select); coding-DNA position 2820, A replaced by C.
Protein change: p.Lys940Asn; replaces lysine 940 with asparagine.
Molecular consequence: missense variant.
Genome position (GRCh38, 1-based): chr11:108,268,591, A>C. VCF-style: chr11-108268591-A-C. GRCh37 (hg19) VCF-style: chr11-108139318-A-C.
Other names: c.2820A>C, p.Lys940Asn (NM_001351834.2); short protein forms K940N.
Identifiers: ClinVar variation 1511620 (VCV001511620.8), dbSNP rs1477142492, ClinGen allele CA382545776.
Genomic context (GRCh38, chr11:108,268,591, plus strand): 5'-AGCTGATATTCGGAGGAAATTGTTAATGTTAATTGATTCTAGCACGCTAGAACCTACCAA[A>C]TCCCTCCACCTGCATATGGTGAGTTACGTTAAATGAAGAAGCTCTTGGATTTTATCTGAT-3'
Protein context (NP_000042.3, residues 930-950): LIDSSTLEPT[Lys940Asn]SLHLHMYLML